The following is an entry in ClinVar:

NM_001070.5(TUBG1):c.1024G>A (p.Glu342Lys)

Gene: TUBG1 (tubulin gamma 1; plus strand). Cytogenetic location: 17q21.2.
Variant type: single nucleotide variant.
Coding change: c.1024G>A on transcript NM_001070.5 (MANE Select); coding-DNA position 1024, G replaced by A.
Protein change: p.Glu342Lys; replaces glutamic acid 342 with lysine.
Molecular consequence: missense variant.
Genome position (GRCh38, 1-based): chr17:42,614,523, G>A. VCF-style: chr17-42614523-G-A. GRCh37 (hg19) VCF-style: chr17-40766541-G-A.
Other names: short protein forms E342K.
Identifiers: ClinVar variation 1298704 (VCV001298704.35), dbSNP rs2143456307, ClinGen allele CA399628602.
Genomic context (GRCh38, chr17:42,614,523, plus strand): 5'-AGGCCACCTCCACTGCTCCTATGCCCACCCCAGGTCCACAAGAGCTTGCAGAGGATCCGG[G>A]AACGCAAGTTGGCCAACTTCATCCCGTGGGGCCCCGCCAGCATCCAGGTGGCCCTGTCGA-3'
Protein context (NP_001061.2, residues 332-352): QVHKSLQRIR[Glu342Lys]RKLANFIPWG

ClinVar aggregate classification (germline): Likely pathogenic (1 of 4 stars; one submission).

Submission:

CeGaT Center for Human Genetics Tuebingen
Classification: Likely pathogenic. Last evaluated: 2022-03-01. Review status: criteria provided, single submitter. Criteria: CeGaT Center For Human Genetics Tuebingen Variant Classification Criteria Version 2. Collection method: clinical testing. Allele origin: germline. Affected: yes. Observed: 1 variant allele.
Comment: TUBG1: PM2, PM6, PP2, PP3